The following is an entry in ClinVar:

NM_004817.4(TJP2):c.621_680del (p.Gln207_Asp226del)

Gene: TJP2 (tight junction protein 2; plus strand). Cytogenetic location: 9q21.11.
Variant type: Deletion.
Coding change: c.621_680del on transcript NM_004817.4 (MANE Select); coding-DNA positions 621 to 680, 60 bases deleted.
Protein change: p.Gln207_Asp226del.
Molecular consequence: inframe deletion.
Genome position (GRCh38, 1-based): chr9:69,221,165-69,221,224, 60 bases deleted. GRCh37 (hg19): chr9:71,836,081-71,836,140.
Other names: c.552_611del, p.Gln184_Asp203del (NM_001170414.2, NM_001369870.1, NM_001369871.1); c.633_692del, p.Gln211_Asp230del (NM_001170415.1, NM_001369874.1, NM_001369875.1); c.714_773del, p.Gln238_Asp257del (NM_001170416.2); c.621_680del, p.Gln207_Asp226del (NM_001369872.1, NM_001369873.1, NM_201629.3).
Identifiers: ClinVar variation 3356814 (VCV003356814.1).

ClinVar aggregate classification (germline): Uncertain significance (0 of 4 stars; one submission).

Conditions:
TJP2-related disorder. Also called: TJP2-related condition.

Submission:

PreventionGenetics, part of Exact Sciences
Classification: Uncertain significance for TJP2-related condition. Last evaluated: 2024-08-29. Review status: no assertion criteria provided. Collection method: clinical testing. Allele origin: germline.
Comment: The TJP2 c.621_680del60 variant is predicted to result in an in-frame deletion (p.Gln207_Asp226del). To our knowledge, this variant has not been reported in the literature. This variant is reported in 0.0095% of alleles in individuals of European (Finnish) descent in gnomAD. At this time, the clinical significance of this variant is uncertain due to the absence of conclusive functional and genetic evidence.